The following is an entry in ClinVar:

NM_015178.3(RHOBTB2):c.2171C>T (p.Ser724Leu)

Gene: RHOBTB2 (Rho related BTB domain containing 2; plus strand). Cytogenetic location: 8p21.3.
Variant type: single nucleotide variant.
Coding change: c.2171C>T on transcript NM_015178.3 (MANE Select); coding-DNA position 2171, C replaced by T.
Protein change: p.Ser724Leu; replaces serine 724 with leucine.
Molecular consequence: missense variant.
Genome position (GRCh38, 1-based): chr8:23,017,456, C>T. VCF-style: chr8-23017456-C-T. GRCh37 (hg19) VCF-style: chr8-22874969-C-T.
Other names: c.2237C>T, p.Ser746Leu (NM_001160036.2); c.2192C>T, p.Ser731Leu (NM_001160037.2); c.2171C>T, p.Ser724Leu (NM_001374791.1); short protein forms S724L, S731L, S746L.
Identifiers: ClinVar variation 2635053 (VCV002635053.5), dbSNP rs780664090, ClinGen allele CA4672878.

ClinVar aggregate classification (germline): Uncertain significance. Review status: criteria provided, multiple submitters, no conflicts (2 of 4 stars). 2 submissions from 2 submitters: Uncertain significance (2). Last evaluated 2025-06-23.

Conditions:
RHOBTB2-related disorder. Also called: RHOBTB2-related condition.

Allele frequency attached by ClinVar (database versions not stated): TOPMed below 0.00001; gnomAD 0.00001; gnomAD exomes 0.00001.
gnomAD v4.1: 13 of 1,587,648 alleles (0.00082%); highest among the groups gnomAD compares: Admixed American, 0.0018%; no homozygotes.

Submissions (2):

PreventionGenetics, part of Exact Sciences
Classification: Uncertain significance for RHOBTB2-related condition. Last evaluated: 2025-06-23. Review status: criteria provided, single submitter. Criteria: ACMG Guidelines, 2015. Collection method: clinical testing. Allele origin: germline.
Comment: The RHOBTB2 c.2237C>T variant is predicted to result in the amino acid substitution p.Ser746Leu. To our knowledge, this variant has not been reported in the literature. This variant is reported in 0.0069% of alleles in individuals of East Asian descent in gnomAD. At this time, the clinical significance of this variant is uncertain due to the absence of conclusive functional and genetic evidence.

Labcorp Genetics (formerly Invitae), Labcorp
Classification: Uncertain significance. Last evaluated: 2025-05-21. Review status: criteria provided, single submitter. Criteria: Invitae Variant Classification Sherloc (09022015). Collection method: clinical testing. Allele origin: germline.
Comment: This sequence change replaces serine, which is neutral and polar, with leucine, which is neutral and non-polar, at codon 746 of the RHOBTB2 protein (p.Ser746Leu). This variant is present in population databases (rs780664090, gnomAD 0.007%). This variant has not been reported in the literature in individuals affected with RHOBTB2-related conditions. ClinVar contains an entry for this variant (Variation ID: 2635053). Experimental studies and prediction algorithms are not available or were not evaluated, and the functional significance of this variant is currently unknown. In summary, the available evidence is currently insufficient to determine the role of this variant in disease. Therefore, it has been classified as a Variant of Uncertain Significance.